The following is an entry in ClinVar:

ClinVar aggregate classification (germline): Uncertain significance (1 of 4 stars; one submission).

Submission:

GeneDx
Classification: Uncertain significance. Last evaluated: 2023-12-15. Review status: criteria provided, single submitter. Criteria: GeneDx Variant Classification Process June 2021. Collection method: clinical testing. Allele origin: germline. Affected: yes.
Comment: Not observed at significant frequency in large population cohorts (gnomAD); In silico analysis supports that this missense variant has a deleterious effect on protein structure/function; Has not been previously published as pathogenic or benign to our knowledge

NM_002240.5(KCNJ6):c.455C>T (p.Thr152Ile)

Genes: KCNJ6 (potassium inwardly rectifying channel subfamily J member 6; minus strand), KCNJ6-AS1 (KCNJ6 antisense RNA 1; plus strand). Cytogenetic location: 21q22.13.
Variant type: single nucleotide variant.
Coding change: c.455C>T on transcript NM_002240.5 (MANE Select); coding-DNA position 455, C replaced by T.
Protein change: p.Thr152Ile; replaces threonine 152 with isoleucine.
Molecular consequence: missense variant. On other transcripts: non-coding transcript variant (1).
Genome position (GRCh38, 1-based): chr21:37,714,702, G>A on the plus strand (C>T on the coding strand, the complement: KCNJ6 is on the minus strand). VCF-style: chr21-37714702-G-A. GRCh37 (hg19) VCF-style: chr21-39087005-G-A.
Other names: short protein forms T152I.
Identifiers: ClinVar variation 3365439 (VCV003365439.1).